The following is an entry in ClinVar:

ClinVar aggregate classification (germline): Uncertain significance (1 of 4 stars; one submission).

Conditions:
Intellectual developmental disorder, X-linked 1. Also called: Atkin Flaitz Patil Smith syndrome; Intellectual disability, X-linked 1; MENTAL RETARDATION, X-LINKED 18; MENTAL RETARDATION, X-LINKED 78. Identifiers: Orphanet 777, MedGen C2931498, MONDO:0010656, OMIM 309530.

Allele frequency attached by ClinVar (database versions not stated): gnomAD exomes below 0.00001.
gnomAD v4.1: 1 of 1,211,944 alleles (0.000083%); highest among the groups gnomAD compares: Non-Finnish European, 0.00011%; no homozygotes.

Submission:

Labcorp Genetics (formerly Invitae), Labcorp
Classification: Uncertain significance for Intellectual developmental disorder, X-linked 1. Last evaluated: 2022-08-15. Review status: criteria provided, single submitter. Criteria: Invitae Variant Classification Sherloc (09022015). Collection method: clinical testing. Allele origin: germline.
Comment: This sequence change replaces glycine, which is neutral and non-polar, with serine, which is neutral and polar, at codon 678 of the IQSEC2 protein (p.Gly678Ser). This variant is not present in population databases (gnomAD no frequency). This variant has not been reported in the literature in individuals affected with IQSEC2-related conditions. Advanced modeling of protein sequence and biophysical properties (such as structural, functional, and spatial information, amino acid conservation, physicochemical variation, residue mobility, and thermodynamic stability) performed at Invitae indicates that this missense variant is not expected to disrupt IQSEC2 protein function. In summary, the available evidence is currently insufficient to determine the role of this variant in disease. Therefore, it has been classified as a Variant of Uncertain Significance.

NM_001111125.3(IQSEC2):c.2032G>A (p.Gly678Ser)

Gene: IQSEC2 (IQ motif and Sec7 domain ArfGEF 2; minus strand). Cytogenetic location: Xp11.22.
Variant type: single nucleotide variant.
Coding change: c.2032G>A on transcript NM_001111125.3 (MANE Select); coding-DNA position 2032, G replaced by A.
Protein change: p.Gly678Ser; replaces glycine 678 with serine.
Molecular consequence: missense variant.
Genome position (GRCh38, 1-based): chrX:53,250,544, C>T on the plus strand (G>A on the coding strand, the complement: IQSEC2 is on the minus strand). VCF-style: chrX-53250544-C-T. GRCh37 (hg19) VCF-style: chrX-53279726-C-T.
Other names: c.2032G>A, p.Gly678Ser (NM_001410736.1); c.1417G>A, p.Gly473Ser (NM_015075.2); short protein forms G473S, G678S.
Identifiers: ClinVar variation 2109575 (VCV002109575.4), dbSNP rs2519800218, ClinGen allele CA413162587.
Genomic context (GRCh38, chrX:53,250,544, plus strand): 5'-TCTCGTTATCTCCACCATCAGAGTTCTCGCCTGCTGCCTCGCACTTCCCCAACCTCCGAC[C>T]CCCAGCCACACCACTGGGCCCAGTGCCACTGTTGGGGGCTGGTGGCAGGGGCCCTGGTGG-3'
Protein context (NP_001104595.1, residues 668-688): SGTGPSGVAG[Gly678Ser]RRLGKCEAAG